The following is an entry in ClinVar:

ClinVar aggregate classification (germline): Uncertain significance. Review status: criteria provided, multiple submitters, no conflicts (2 of 4 stars). 4 submissions from 3 submitters: Uncertain significance (4). Last evaluated 2023-12-11.

Conditions:
Schwartz-Jampel syndrome. Also called: Myotonic myopathy dwarfism chondrodystrophy and ocular and facial abnormalities. Identifiers: Orphanet 800, MedGen C0036391, MONDO:0009717.
Lethal Kniest-like syndrome (DDSH). Also called: Dyssegmental Dysplasia. Identifiers: Orphanet 1865, MedGen C1857100, MONDO:0009140, OMIM 224410.

Allele frequency attached by ClinVar (database versions not stated): gnomAD exomes 0.00002; ExAC 0.00003; gnomAD 0.00004; TOPMed 0.00005.
gnomAD v4.1: 44 of 1,613,260 alleles (0.0027%); highest among the groups gnomAD compares: Admixed American, 0.0067%; no homozygotes.

Submissions (4):

Labcorp Genetics (formerly Invitae), Labcorp
Classification: Uncertain significance. Last evaluated: 2023-12-11. Review status: criteria provided, single submitter. Criteria: Invitae Variant Classification Sherloc (09022015). Collection method: clinical testing. Allele origin: germline.
Comment: This sequence change replaces arginine, which is basic and polar, with tryptophan, which is neutral and slightly polar, at codon 1186 of the HSPG2 protein (p.Arg1186Trp). This variant is present in population databases (rs113743582, gnomAD 0.01%). This variant has not been reported in the literature in individuals affected with HSPG2-related conditions. ClinVar contains an entry for this variant (Variation ID: 295861). An algorithm developed to predict the effect of missense changes on protein structure and function (PolyPhen-2) suggests that this variant is likely to be disruptive. In summary, the available evidence is currently insufficient to determine the role of this variant in disease. Therefore, it has been classified as a Variant of Uncertain Significance.

Revvity Omics, Revvity
Classification: Uncertain significance. Last evaluated: 2020-02-24. Review status: criteria provided, single submitter. Criteria: ACMG Guidelines, 2015. Collection method: clinical testing. Allele origin: germline.

Illumina Laboratory Services, Illumina
Classification: Uncertain significance for Schwartz-Jampel syndrome type 1. Last evaluated: 2018-01-13. Review status: criteria provided, single submitter. Criteria: ICSL Variant Classification Criteria 13 December 2019. Collection method: clinical testing. Allele origin: germline.

Illumina Laboratory Services, Illumina
Classification: Uncertain significance for Lethal Kniest-like syndrome. Last evaluated: 2018-01-13. Review status: criteria provided, single submitter. Criteria: ICSL Variant Classification Criteria 13 December 2019. Collection method: clinical testing. Allele origin: germline.

NM_005529.7(HSPG2):c.3556C>T (p.Arg1186Trp)

Gene: HSPG2 (heparan sulfate proteoglycan 2; minus strand). Cytogenetic location: 1p36.12.
Variant type: single nucleotide variant.
Coding change: c.3556C>T on transcript NM_005529.7 (MANE Select); coding-DNA position 3556, C replaced by T.
Protein change: p.Arg1186Trp; replaces arginine 1186 with tryptophan.
Molecular consequence: missense variant.
Genome position (GRCh38, 1-based): chr1:21,874,506, G>A on the plus strand (C>T on the coding strand, the complement: HSPG2 is on the minus strand). VCF-style: chr1-21874506-G-A. GRCh37 (hg19) VCF-style: chr1-22200999-G-A.
Other names: c.3559C>T, p.Arg1187Trp (NM_001291860.2); short protein forms R1186W, R1187W.
Identifiers: ClinVar variation 295861 (VCV000295861.13), dbSNP rs113743582, ClinGen allele CA672603.
Genomic context (GRCh38, chr1:21,874,506, plus strand): 5'-AGTCCTGTGGTGTCCCCCGCTGGGCGTCCCCGTAGTATCCTGGCTGGCACTGCTCACACC[G>A]AGGGCCCTCCGTGTGATGCTGGCAGCCCTGGAGGAGCAGGATGTGAGTTGAGGCTGGGCC-3'
Protein context (NP_005520.4, residues 1176-1196): QGCQHHTEGP[Arg1186Trp]CEQCQPGYYG